The following is an entry in ClinVar:

ClinVar aggregate classification (germline): Uncertain significance (1 of 4 stars; one submission).

Conditions:
Spastic paraplegia. Identifiers: MedGen C0037772, HP:0001258.

Submission:

Labcorp Genetics (formerly Invitae), Labcorp
Classification: Uncertain significance for Spastic paraplegia. Last evaluated: 2023-08-09. Review status: criteria provided, single submitter. Criteria: Invitae Variant Classification Sherloc (09022015). Collection method: clinical testing. Allele origin: germline.
Comment: In summary, the available evidence is currently insufficient to determine the role of this variant in disease. Therefore, it has been classified as a Variant of Uncertain Significance. Advanced modeling of protein sequence and biophysical properties (such as structural, functional, and spatial information, amino acid conservation, physicochemical variation, residue mobility, and thermodynamic stability) has been performed at Invitae for this missense variant, however the output from this modeling did not meet the statistical confidence thresholds required to predict the impact of this variant on GJC2 protein function. This sequence change replaces proline, which is neutral and non-polar, with alanine, which is neutral and non-polar, at codon 251 of the GJC2 protein (p.Pro251Ala). This variant has not been reported in the literature in individuals affected with GJC2-related conditions. This variant is not present in population databases (gnomAD no frequency).

NM_020435.4(GJC2):c.751C>G (p.Pro251Ala)

Gene: GJC2 (gap junction protein gamma 2; plus strand). Cytogenetic location: 1q42.13.
Variant type: single nucleotide variant.
Coding change: c.751C>G on transcript NM_020435.4 (MANE Select); coding-DNA position 751, C replaced by G.
Protein change: p.Pro251Ala; replaces proline 251 with alanine.
Molecular consequence: missense variant.
Genome position (GRCh38, 1-based): chr1:228,158,509, C>G. VCF-style: chr1-228158509-C-G. GRCh37 (hg19) VCF-style: chr1-228346210-C-G.
Other names: short protein forms P251A.
Identifiers: ClinVar variation 2748510 (VCV002748510.3), dbSNP rs2527877051, ClinGen allele CA345099306.